The following is an entry in ClinVar:

ClinVar aggregate classification (germline): Uncertain significance. Review status: criteria provided, multiple submitters, no conflicts (2 of 4 stars). 4 submissions from 4 submitters: Uncertain significance (4). Last evaluated 2025-09-23.

Conditions:
Intellectual disability, X-linked, with or without seizures, ARX-related. Also called: MENTAL RETARDATION, X-LINKED 29; MENTAL RETARDATION, X-LINKED 32; MENTAL RETARDATION, X-LINKED 33; MENTAL RETARDATION, X-LINKED 38; MENTAL RETARDATION, X-LINKED 43; MENTAL RETARDATION, X-LINKED 76. Identifiers: Orphanet 777, MedGen C0796244, MONDO:0010317, OMIM 300419.
Developmental and epileptic encephalopathy, 1 (DEE1). Also called: Epileptic encephalopathy, early infantile, 1; X-linked infantile spasms; West's syndrome; Tonic spasms with clustering, arrest of psychomotor development and hypsarrhythmia on EEG; X-Linked Infantile Spasm Syndrome; INFANTILE SPASM SYNDROME, X-LINKED 1. Identifiers: MedGen C3463992, MONDO:0010632, OMIM 308350. Disease mechanism: loss of function.
Muscular dystrophy-dystroglycanopathy (congenital with brain and eye anomalies), type A6. Also called: MUSCULAR DYSTROPHY-DYSTROGLYCANOPATHY (CONGENITAL WITH BRAIN AND EYE ANOMALIES), TYPE A, 6; WALKER-WARBURG SYNDROME OR MUSCLE-EYE-BRAIN DISEASE, LARGE-RELATED. Identifiers: Orphanet 588, Orphanet 899, MedGen C3150414, MONDO:0013158, OMIM 613154.

Submissions (4):

Myriad Genetics, Inc.
Classification: Uncertain significance for Intellectual disability, X-linked, with or without seizures, ARX-related. Last evaluated: 2025-09-23. Review status: criteria provided, single submitter. Criteria: Myriad Autosomal Dominant, Autosomal Recessive and X-Linked Classification Criteria (2023). Collection method: clinical testing. Allele origin: unknown.
Comment: NM_139058.2(ARX):c.665_670dup6(G222_T223dup) is an in-frame insertion classified as a variant of uncertain significance in the context of ARX-related disorders. G222_T223dup has not been observed in cases with relevant disease. Relevant functional assessments of this variant are not available in the literature. G222_T223dup has not been observed in referenced population frequency databases. In summary, there is insufficient evidence to classify NM_139058.2(ARX):c.665_670dup6(G222_T223dup) as pathogenic or benign. Please note: this variant was assessed in the context of healthy population screening.

Genomic Medicine Center of Excellence, King Faisal Specialist Hospital and Research Centre
Classification: Uncertain significance for Muscular dystrophy-dystroglycanopathy (congenital with brain and eye anomalies), type A6. Last evaluated: 2025-09-10. Review status: criteria provided, single submitter. Criteria: ACMG Guidelines, 2015. Collection method: clinical testing. Allele origin: germline.

Labcorp Genetics (formerly Invitae), Labcorp
Classification: Uncertain significance for Developmental and epileptic encephalopathy, 1; Intellectual disability, X-linked, with or without seizures, ARX-related. Last evaluated: 2024-08-08. Review status: criteria provided, single submitter. Criteria: Invitae Variant Classification Sherloc (09022015). Collection method: clinical testing. Allele origin: germline.
Comment: This variant, c.665_670dup, results in the insertion of 2 amino acid(s) of the ARX protein (p.Gly222_Thr223dup), but otherwise preserves the integrity of the reading frame. This variant is not present in population databases (gnomAD no frequency). This variant has not been reported in the literature in individuals affected with ARX-related conditions. ClinVar contains an entry for this variant (Variation ID: 234664). Experimental studies and prediction algorithms are not available or were not evaluated, and the functional significance of this variant is currently unknown. In summary, the available evidence is currently insufficient to determine the role of this variant in disease. Therefore, it has been classified as a Variant of Uncertain Significance.

GeneDx
Classification: Uncertain significance. Last evaluated: 2015-12-15. Review status: criteria provided, single submitter. Criteria: GeneDx Variant Classification (06012015). Collection method: clinical testing. Allele origin: germline. Affected: yes.
Comment: The c.665_670dupGCACCG variant has notbeen published as a pathogenic variant, nor has it been reported as a benign variant to our knowledge. It was notobserved in approximately 5,600 individuals of European and African American ancestry in the NHLBI ExomeSequencing Project, indicating it is not a common benign variant in these populations. The c.665_670dupGCACCGvariant results in an in-frame duplication of two amino acid residues, denoted p.Gly222_Thr223dup. However, thec.665_670dupGCACCG variant occurs at a position that is not conserved. Therefore, based on the currently availableinformation, it is unclear whether this variant is a pathogenic variant or a rare benign variant.

NM_139058.3(ARX):c.659GCACCG[3] (p.220GT[3])

Gene: ARX (aristaless related homeobox; minus strand). Cytogenetic location: Xp21.3.
Variant type: Microsatellite.
Coding change: c.659GCACCG[3] on transcript NM_139058.3 (MANE Select); three copies in a row of the 6-base unit GCACCG starting at c.659; the reference has two copies in a row; one copy, 6 bases duplicated; also written c.665_670dup.
Protein change: p.220GT[3].
Molecular consequence: inframe insertion.
Genome position (GRCh38, 1-based): chrX:25,013,325-25,013,330, CGGTGC duplicated on the plus strand (GCACCG on the coding strand, the reverse complement: ARX is on the minus strand); duplicating any 6 consecutive bases within chrX:25,013,325-25,013,337 gives the same sequence; the position shown is the placement nearest the transcript's 3' end. VCF-style (leftmost placement, unchanged base first): chrX-25013324-T-TCGGTGC. GRCh37 (hg19) VCF-style: chrX-25031441-T-TCGGTGC.
Other names: c.665_670dup (NM_139058.3).
Identifiers: ClinVar variation 234664 (VCV000234664.12), dbSNP rs876661147, ClinGen allele CA10577657.